The following is an entry in ClinVar:

ClinVar aggregate classification (germline): Uncertain significance (1 of 4 stars; one submission).

Submission:

Labcorp Genetics (formerly Invitae), Labcorp
Classification: Uncertain significance. Last evaluated: 2025-06-16. Review status: criteria provided, single submitter. Criteria: Invitae Variant Classification Sherloc (09022015). Collection method: clinical testing. Allele origin: germline.
Comment: This variant, c.1057_1065del, results in the deletion of 3 amino acid(s) of the COMP protein (p.Ser353_Lys355del), but otherwise preserves the integrity of the reading frame. This variant is not present in population databases (gnomAD no frequency). This variant has not been reported in the literature in individuals affected with COMP-related conditions. Experimental studies and prediction algorithms are not available or were not evaluated, and the functional significance of this variant is currently unknown. In summary, the available evidence is currently insufficient to determine the role of this variant in disease. Therefore, it has been classified as a Variant of Uncertain Significance.

NM_000095.3(COMP):c.1057_1065del (p.Ser353_Lys355del)

Gene: COMP (cartilage oligomeric matrix protein; minus strand). Cytogenetic location: 19p13.11.
Variant type: Deletion.
Coding change: c.1057_1065del on transcript NM_000095.3 (MANE Select); coding-DNA positions 1057 to 1065, 9 bases deleted (TCCCAGAAG; older notation c.1057_1065delTCCCAGAAG).
Protein change: p.Ser353_Lys355del.
Molecular consequence: inframe deletion.
Genome position (GRCh38, 1-based): chr19:18,787,561-18,787,569, CTTCTGGGA deleted on the plus strand (TCCCAGAAG on the coding strand, the reverse complement: COMP is on the minus strand); deleting any 9 consecutive bases within chr19:18,787,561-18,787,570 gives the same sequence; the c. name uses the placement nearest the transcript's 3' end. VCF-style (leftmost placement, unchanged base first): chr19-18787560-TCTTCTGGGA-T. GRCh37 (hg19) VCF-style: chr19-18898369-TCTTCTGGGA-T.
Identifiers: ClinVar variation 4721395 (VCV004721395.1).